The following is an entry in ClinVar:

ClinVar aggregate classification (germline): Uncertain significance (1 of 4 stars; one submission).

Conditions:
Hereditary cancer-predisposing syndrome. Also called: Tumor predisposition; Hereditary Cancer Syndrome; Neoplastic Syndromes, Hereditary; Hereditary neoplastic syndrome. Identifiers: Orphanet 140162, MedGen C0027672, MeSH D009386, MONDO:0015356.

Submission:

Ambry Genetics
Classification: Uncertain significance for Hereditary cancer-predisposing syndrome. Last evaluated: 2026-01-09. Review status: criteria provided, single submitter. Criteria: Ambry Variant Classification Scheme 2023. Collection method: clinical testing. Allele origin: germline.
Comment: The c.2140delG variant, located in coding exon 19 of the POLE gene, results from a deletion of one nucleotide at nucleotide position 2140, causing a translational frameshift with a predicted alternate stop codon (p.E714Nfs*78). This alteration is expected to result in loss of function by premature protein truncation or nonsense-mediated mRNA decay. Although biallelic loss of function of POLE has been associated with autosomal recessive POLE deficiency, haploinsufficiency of POLE has not been established as a mechanism of disease for POLE-related polymerase proofreading-associated polyposis (PPAP) and POLE-related CMMRD-like syndrome. Based on the supporting evidence, this variant is expected to be causative of POLE deficiency when present along with a second pathogenic variant on the other allele; however, its clinical significance for PPAP and POLE-related CMMRD-like syndrome is unclear.

NM_006231.4(POLE):c.2140del (p.Glu714fs)

Gene: POLE (DNA polymerase epsilon, catalytic subunit; minus strand). Cytogenetic location: 12q24.33.
Variant type: Deletion.
Coding change: c.2140del on transcript NM_006231.4 (MANE Select); coding-DNA position 2140, one base deleted (G; older notation c.2140delG).
Protein change: p.Glu714fs; shifts the reading frame from glutamic acid 714.
Molecular consequence: frameshift variant.
Genome position (GRCh38, 1-based): chr12:132,668,389, C deleted on the plus strand (G on the coding strand, the reverse complement: POLE is on the minus strand); the first of 2 consecutive C bases (chr12:132,668,389-132,668,390); deleting either gives the same sequence. VCF-style (leftmost placement, unchanged base first): chr12-132668388-TC-T. GRCh37 (hg19) VCF-style: chr12-133244974-TC-T.
Other names: short protein forms E714fs.
Identifiers: ClinVar variation 486101 (VCV000486101.6), dbSNP rs1555227239, ClinGen allele CA658658199.